The following is an entry in ClinVar:

NM_001378778.1(MPDZ):c.4336G>C (p.Ala1446Pro)

Gene: MPDZ (multiple PDZ domain crumbs cell polarity complex component; minus strand). Cytogenetic location: 9p23.
Variant type: single nucleotide variant.
Coding change: c.4336G>C on transcript NM_001378778.1 (MANE Select); coding-DNA position 4336, G replaced by C.
Protein change: p.Ala1446Pro; replaces alanine 1446 with proline.
Molecular consequence: missense variant.
Genome position (GRCh38, 1-based): chr9:13,136,139, C>G on the plus strand (G>C on the coding strand, the complement: MPDZ is on the minus strand). VCF-style: chr9-13136139-C-G. GRCh37 (hg19) VCF-style: chr9-13136138-C-G.
Other names: c.4336G>C (NM_003829.4, NM_003829.3); c.4237G>C, p.Ala1413Pro (NM_001261406.2, NM_001261407.2, NM_001375416.1 and 3 more transcripts); c.4336G>C, p.Ala1446Pro (NM_001330637.2, NM_001375413.1, NM_003829.5); c.4126G>C, p.Ala1376Pro (NM_001375420.1, NM_001375421.1, NM_001375422.1 and 4 more transcripts); c.3928G>C, p.Ala1310Pro (NM_001375427.1); short protein forms A1376P, A1413P, A1310P, A1446P.
Identifiers: ClinVar variation 1525246 (VCV001525246.6), dbSNP rs199678230, ClinGen allele CA4986757.
Genomic context (GRCh38, chr9:13,136,139, plus strand): 5'-AAGTTACATATACCTCCTTATTTTGAAGATTTTCTGAGTTAGAAGGCAAAGGTTCTACTG[C>G]ATTTCCAGGACATACGGCCATCTGATTCACTGCATCTTTATTTCTAAAAGCAAAAAAACA-3'
Protein context (NP_001365707.1, residues 1436-1456): VNQMAVCPGN[Ala1446Pro]VEPLPSNSEN

ClinVar aggregate classification (germline): Conflicting classifications of pathogenicity. Review status: criteria provided, conflicting classifications (1 of 4 stars). 3 submissions from 3 submitters: Uncertain significance (1); Likely benign (2). Last evaluated 2025-12-15.

Conditions:
MPDZ-related disorder. Also called: MPDZ-related condition.
Inborn genetic diseases. Identifiers: MedGen C0950123, MeSH D030342.

Allele frequency attached by ClinVar (database versions not stated): gnomAD exomes 0.00015; 1000 Genomes Project 30x 0.00016; 1000 Genomes Project 0.00020; ExAC 0.00020; gnomAD 0.00048 and 0.00057; ESP Exome Variant Server 0.00067.
gnomAD v4.1: 138 of 1,613,050 alleles (0.0086%); highest among the groups gnomAD compares: African/African-American, 0.16%; 1 homozygote.

Submissions (3):

PreventionGenetics, part of Exact Sciences
Classification: Likely benign for MPDZ-related condition. Last evaluated: 2025-12-15. Review status: criteria provided, single submitter. Criteria: ACMG Guidelines, 2015. Collection method: clinical testing. Allele origin: germline.
Comment: This variant is classified as likely benign based on ACMG/AMP sequence variant interpretation guidelines (Richards et al. 2015 PMID: 25741868, with internal and published modifications).

Labcorp Genetics (formerly Invitae), Labcorp
Classification: Uncertain significance. Last evaluated: 2024-01-19. Review status: criteria provided, single submitter. Criteria: Invitae Variant Classification Sherloc (09022015). Collection method: clinical testing. Allele origin: germline.
Comment: This sequence change replaces alanine, which is neutral and non-polar, with proline, which is neutral and non-polar, at codon 1446 of the MPDZ protein (p.Ala1446Pro). This variant is present in population databases (rs199678230, gnomAD 0.2%). This variant has not been reported in the literature in individuals affected with MPDZ-related conditions. ClinVar contains an entry for this variant (Variation ID: 1525246). Algorithms developed to predict the effect of missense changes on protein structure and function output the following: SIFT: "Not Available"; PolyPhen-2: "Benign"; Align-GVGD: "Not Available". The proline amino acid residue is found in multiple mammalian species, which suggests that this missense change does not adversely affect protein function. In summary, the available evidence is currently insufficient to determine the role of this variant in disease. Therefore, it has been classified as a Variant of Uncertain Significance.

Ambry Genetics
Classification: Likely benign for Inborn genetic diseases. Last evaluated: 2024-01-17. Review status: criteria provided, single submitter. Criteria: Ambry Variant Classification Scheme 2023. Collection method: clinical testing. Allele origin: germline.